The following is an entry in ClinVar:

NM_024675.4(PALB2):c.3289C>T (p.Pro1097Ser)

Gene: PALB2 (partner and localizer of BRCA2; minus strand). Cytogenetic location: 16p12.2.
Variant type: single nucleotide variant.
Coding change: c.3289C>T on transcript NM_024675.4 (MANE Select); coding-DNA position 3289, C replaced by T.
Protein change: p.Pro1097Ser; replaces proline 1097 with serine.
Molecular consequence: missense variant.
Genome position (GRCh38, 1-based): chr16:23,607,925, G>A on the plus strand (C>T on the coding strand, the complement: PALB2 is on the minus strand). VCF-style: chr16-23607925-G-A. GRCh37 (hg19) VCF-style: chr16-23619246-G-A.
Other names: short protein forms P1097S.
Identifiers: ClinVar variation 1005193 (VCV001005193.7), dbSNP rs1966508272, ClinGen allele CA395139557.

ClinVar aggregate classification (germline): Uncertain significance (1 of 4 stars; one submission).

Conditions:
Familial cancer of breast. Also called: Hereditary breast cancer; hereditary breast carcinoma; BREAST CANCER, FAMILIAL. Identifiers: Orphanet 227535, MedGen C0346153, MONDO:0016419, OMIM 114480. Disease mechanism: loss of function.

Allele frequency attached by ClinVar (database versions not stated): gnomAD exomes below 0.00001.
gnomAD v4.1: 1 of 1,614,080 alleles (0.000062%); highest among the groups gnomAD compares: Non-Finnish European, 0.000085%; no homozygotes.

Submission:

Labcorp Genetics (formerly Invitae), Labcorp
Classification: Uncertain significance for Familial cancer of breast. Last evaluated: 2021-10-06. Review status: criteria provided, single submitter. Criteria: Invitae Variant Classification Sherloc (09022015). Collection method: clinical testing. Allele origin: germline.
Comment: This sequence change replaces proline with serine at codon 1097 of the PALB2 protein (p.Pro1097Ser). The proline residue is highly conserved and there is a moderate physicochemical difference between proline and serine. This variant is not present in population databases (ExAC no frequency). This variant has not been reported in the literature in individuals affected with PALB2-related conditions. Algorithms developed to predict the effect of missense changes on protein structure and function are either unavailable or do not agree on the potential impact of this missense change (SIFT: "Deleterious"; PolyPhen-2: "Probably Damaging"; Align-GVGD: "Class C0"). In summary, the available evidence is currently insufficient to determine the role of this variant in disease. Therefore, it has been classified as a Variant of Uncertain Significance.